The following is an entry in ClinVar:

ClinVar aggregate classification (germline): Uncertain significance (1 of 4 stars; one submission).

Allele frequency attached by ClinVar (database versions not stated): gnomAD 0.00022; ExAC 0.00010.
gnomAD v4.1: 72 of 1,606,316 alleles (0.0045%); highest among the groups gnomAD compares: African/African-American, 0.086%; no homozygotes.

Submission:

Labcorp Genetics (formerly Invitae), Labcorp
Classification: Uncertain significance. Last evaluated: 2025-08-04. Review status: criteria provided, single submitter. Criteria: Invitae Variant Classification Sherloc (09022015). Collection method: clinical testing. Allele origin: germline.
Comment: This sequence change falls in intron 10 of the ITGAM gene. It does not directly change the encoded amino acid sequence of the ITGAM protein. It affects a nucleotide within the consensus splice site. This variant is present in population databases (rs759769789, gnomAD 0.1%), and has an allele count higher than expected for a pathogenic variant. This variant has not been reported in the literature in individuals affected with ITGAM-related conditions. ClinVar contains an entry for this variant (Variation ID: 2853595). Variants that disrupt the consensus splice site are a relatively common cause of aberrant splicing (PMID: 17576681, 9536098). Algorithms developed to predict the effect of sequence changes on RNA splicing suggest that this variant is not likely to affect RNA splicing. In summary, the available evidence is currently insufficient to determine the role of this variant in disease. Therefore, it has been classified as a Variant of Uncertain Significance.

Literature cited by the submitters: PubMed 17576681; PubMed 9536098.

NM_000632.4(ITGAM):c.1083+6T>G

Gene: ITGAM (integrin subunit alpha M; plus strand). Cytogenetic location: 16p11.2.
Variant type: single nucleotide variant.
Coding change: c.1083+6T>G on transcript NM_000632.4 (MANE Select); 6 bases into the intron after coding-DNA position 1083, T replaced by G.
Molecular consequence: intron variant.
Genome position (GRCh38, 1-based): chr16:31,276,750, T>G. VCF-style: chr16-31276750-T-G. GRCh37 (hg19) VCF-style: chr16-31288071-T-G.
Other names: c.1083+6T>G (NM_001145808.2).
Identifiers: ClinVar variation 2853595 (VCV002853595.3), dbSNP rs759769789, ClinGen allele CA8025428.